The following is an entry in ClinVar:

NM_015559.3(SETBP1):c.2351G>T (p.Gly784Val)

Gene: SETBP1 (SET binding protein 1; plus strand). Cytogenetic location: 18q12.3.
Variant type: single nucleotide variant.
Coding change: c.2351G>T on transcript NM_015559.3 (MANE Select); coding-DNA position 2351, G replaced by T.
Protein change: p.Gly784Val; replaces glycine 784 with valine.
Molecular consequence: missense variant.
Genome position (GRCh38, 1-based): chr18:44,951,691, G>T. VCF-style: chr18-44951691-G-T. GRCh37 (hg19) VCF-style: chr18-42531656-G-T.
Other names: c.2351G>T, p.Gly784Val (NM_001379141.1, NM_001379142.1, NM_001410862.1); short protein forms G784V.
Identifiers: ClinVar variation 2801308 (VCV002801308.3), dbSNP rs2511471520, ClinGen allele CA402321005.
Genomic context (GRCh38, chr18:44,951,691, plus strand): 5'-ACTTTCAGTCACTTGTGGCGTCTTCACCAGCAGCTATGCACCCACTTTCAACACAGTTAG[G>T]TGGGTCCAATGGCAACCTGAGCCCTGCCAGCACTGAAACCAATTTTTCAGAGTTGAAAAC-3'
Protein context (NP_056374.2, residues 774-794): AAMHPLSTQL[Gly784Val]GSNGNLSPAS

ClinVar aggregate classification (germline): Uncertain significance (1 of 4 stars; one submission).

Submission:

Labcorp Genetics (formerly Invitae), Labcorp
Classification: Uncertain significance. Last evaluated: 2023-06-14. Review status: criteria provided, single submitter. Criteria: Invitae Variant Classification Sherloc (09022015). Collection method: clinical testing. Allele origin: germline.
Comment: This sequence change replaces glycine, which is neutral and non-polar, with valine, which is neutral and non-polar, at codon 784 of the SETBP1 protein (p.Gly784Val). This variant is not present in population databases (gnomAD no frequency). This variant has not been reported in the literature in individuals affected with SETBP1-related conditions. Advanced modeling of protein sequence and biophysical properties (such as structural, functional, and spatial information, amino acid conservation, physicochemical variation, residue mobility, and thermodynamic stability) performed at Invitae indicates that this missense variant is not expected to disrupt SETBP1 protein function. In summary, the available evidence is currently insufficient to determine the role of this variant in disease. Therefore, it has been classified as a Variant of Uncertain Significance.